The following is an entry in ClinVar:

NM_006734.4(HIVEP2):c.5904G>C (p.Leu1968Phe)

Gene: HIVEP2 (HIVEP zinc finger 2; minus strand). Cytogenetic location: 6q24.2.
Variant type: single nucleotide variant.
Coding change: c.5904G>C on transcript NM_006734.4 (MANE Select); coding-DNA position 5904, G replaced by C.
Protein change: p.Leu1968Phe; replaces leucine 1968 with phenylalanine.
Molecular consequence: missense variant.
Genome position (GRCh38, 1-based): chr6:142,760,384, C>G on the plus strand (G>C on the coding strand, the complement: HIVEP2 is on the minus strand). VCF-style: chr6-142760384-C-G. GRCh37 (hg19) VCF-style: chr6-143081521-C-G.
Other names: c.5904G>C, p.Leu1968Phe (NM_001438449.1, NM_001438450.1, NM_001438451.1); short protein forms L1968F.
Identifiers: ClinVar variation 4083070 (VCV004083070.1).

ClinVar aggregate classification (germline): Uncertain significance (1 of 4 stars; one submission).

Submission:

GeneDx
Classification: Uncertain significance. Last evaluated: 2025-03-12. Review status: criteria provided, single submitter. Criteria: GeneDx Variant Classification Process June 2021. Collection method: clinical testing. Allele origin: germline. Affected: yes.
Comment: Has not been previously published as pathogenic or benign to our knowledge; Not observed at significant frequency in large population cohorts (gnomAD); In silico analysis indicates that this missense variant does not alter protein structure/function